The following is an entry in ClinVar:

NM_000787.4(DBH):c.10C>T (p.Leu4Phe)

Gene: DBH (dopamine beta-hydroxylase; plus strand). Cytogenetic location: 9q34.2.
Variant type: single nucleotide variant.
Coding change: c.10C>T on transcript NM_000787.4 (MANE Select); coding-DNA position 10, C replaced by T.
Protein change: p.Leu4Phe; replaces leucine 4 with phenylalanine.
Molecular consequence: missense variant.
Genome position (GRCh38, 1-based): chr9:133,636,381, C>T. VCF-style: chr9-133636381-C-T. GRCh37 (hg19) VCF-style: chr9-136501503-C-T.
Other names: short protein forms L4F.
Identifiers: ClinVar variation 1945301 (VCV001945301.5), dbSNP rs2538334073, ClinGen allele CA375406049.
Genomic context (GRCh38, chr9:133,636,381, plus strand): 5'-TCAGGACCAGGGCATAAATGGCCAGGTGGGACCAGAGAGCTCACCCCAGCCATGCCCGCC[C>T]TCAGTCGCTGGGCCAGCCTGCCCGGCCCCAGCATGCGGGAGGCAGCCTTCATGTACAGCA-3'
Protein context (NP_000778.3, residues 1-14): MPA[Leu4Phe]SRWASLPGPS

ClinVar aggregate classification (germline): Uncertain significance (1 of 4 stars; one submission).

Conditions:
Orthostatic hypotension 1 (ORTHYP1). Also called: Dopamine beta-hydroxylase deficiency; Orthostatic hypotension 1, due to DBH deficiency; NORADRENALINE DEFICIENCY; NOREPINEPHRINE DEFICIENCY. Identifiers: Orphanet 230, MedGen C4746777, MONDO:0009123, OMIM 223360.

Allele frequency attached by ClinVar (database versions not stated): gnomAD exomes below 0.00001.

Submission:

Labcorp Genetics (formerly Invitae), Labcorp
Classification: Uncertain significance for Orthostatic hypotension 1. Last evaluated: 2022-10-04. Review status: criteria provided, single submitter. Criteria: Invitae Variant Classification Sherloc (09022015). Collection method: clinical testing. Allele origin: germline.
Comment: This variant is not present in population databases (gnomAD no frequency). This sequence change replaces leucine, which is neutral and non-polar, with phenylalanine, which is neutral and non-polar, at codon 4 of the DBH protein (p.Leu4Phe). This variant has not been reported in the literature in individuals affected with DBH-related conditions. Algorithms developed to predict the effect of missense changes on protein structure and function (SIFT, PolyPhen-2, Align-GVGD) all suggest that this variant is likely to be tolerated. In summary, the available evidence is currently insufficient to determine the role of this variant in disease. Therefore, it has been classified as a Variant of Uncertain Significance.